The following is an entry in ClinVar:

NM_198253.3(TERT):c.727G>A (p.Ala243Thr)

Gene: TERT (telomerase reverse transcriptase; minus strand). Cytogenetic location: 5p15.33.
Variant type: single nucleotide variant.
Coding change: c.727G>A on transcript NM_198253.3 (MANE Select); coding-DNA position 727, G replaced by A.
Protein change: p.Ala243Thr; replaces alanine 243 with threonine.
Molecular consequence: missense variant. On other transcripts: non-coding transcript variant (2).
Genome position (GRCh38, 1-based): chr5:1,294,159, C>T on the plus strand (G>A on the coding strand, the complement: TERT is on the minus strand). VCF-style: chr5-1294159-C-T. GRCh37 (hg19) VCF-style: chr5-1294274-C-T.
Other names: c.727G>A, p.Ala243Thr (NM_001193376.3, NM_003219.1); short protein forms A243T.
Identifiers: ClinVar variation 1937928 (VCV001937928.7), dbSNP rs2478421141, ClinGen allele CA359056948.

ClinVar aggregate classification (germline): Uncertain significance. Review status: criteria provided, multiple submitters, no conflicts (2 of 4 stars). 3 submissions from 3 submitters: Uncertain significance (3). Last evaluated 2025-02-12.

Conditions:
Pulmonary fibrosis and/or bone marrow failure, Telomere-related, 1. Also called: PULMONARY FIBROSIS AND/OR BONE MARROW FAILURE SYNDROME, TELOMERE-RELATED, 1. Identifiers: Orphanet 88, MedGen C3553617, MONDO:0013878, OMIM 614742.
Melanoma, cutaneous malignant, susceptibility to, 9. Also called: Cutaneous malignant melanoma 9. Identifiers: Orphanet 618, MedGen C3554574, MONDO:0014056, OMIM 615134.
Acute myeloid leukemia (AML). Also called: Acute myeloid leukemia, adult; AML adult; Acute non-lymphocytic leukemia; Acute granulocytic leukemia; Leukemia, acute myeloid, somatic; Leukemia, acute myelogenous, somatic. Identifiers: Orphanet 519, MedGen C0023467, MeSH D015470, MONDO:0018874, OMIM 601626, HP:0004808. Disease mechanism: Constitutively activated FLT3.
Dyskeratosis congenita, autosomal dominant 2. Identifiers: MedGen C3151443, MONDO:0013521, OMIM 613989.
Idiopathic Pulmonary Fibrosis. Also called: Idiopathic fibrosing alveolitis, chronic form; idiopathic fibrosing alveolitis. Identifiers: Orphanet 2032, MedGen C1800706, MeSH D054990, MONDO:0800504.
Dyskeratosis congenita. Identifiers: Orphanet 1775, MedGen C0265965, MONDO:0015780.

Submissions (3):

Ambry Genetics
Classification: Uncertain significance for Dyskeratosis congenita. Last evaluated: 2025-02-12. Review status: criteria provided, single submitter. Criteria: Ambry Variant Classification Scheme 2023. Collection method: clinical testing. Allele origin: germline.
Comment: The p.A243T variant (also known as c.727G>A), located in coding exon 2 of the TERT gene, results from a G to A substitution at nucleotide position 727. The alanine at codon 243 is replaced by threonine, an amino acid with similar properties. This amino acid position is not well conserved in available vertebrate species. In addition, this alteration is predicted to be tolerated by in silico analysis. Based on the available evidence, the clinical significance of this variant remains unclear.

Fulgent Genetics
Classification: Uncertain significance for Acute myeloid leukemia; Dyskeratosis congenita, autosomal dominant 2; Pulmonary fibrosis and/or bone marrow failure, Telomere-related, 1; Melanoma, cutaneous malignant, susceptibility to, 9. Last evaluated: 2024-05-30. Review status: criteria provided, single submitter. Criteria: ACMG Guidelines, 2015. Collection method: clinical testing. Allele origin: germline.

Labcorp Genetics (formerly Invitae), Labcorp
Classification: Uncertain significance for Dyskeratosis congenita, autosomal dominant 2; Idiopathic Pulmonary Fibrosis. Last evaluated: 2022-07-27. Review status: criteria provided, single submitter. Criteria: Invitae Variant Classification Sherloc (09022015). Collection method: clinical testing. Allele origin: germline.
Comment: This sequence change replaces alanine, which is neutral and non-polar, with threonine, which is neutral and polar, at codon 243 of the TERT protein (p.Ala243Thr). In summary, the available evidence is currently insufficient to determine the role of this variant in disease. Therefore, it has been classified as a Variant of Uncertain Significance. Advanced modeling of protein sequence and biophysical properties (such as structural, functional, and spatial information, amino acid conservation, physicochemical variation, residue mobility, and thermodynamic stability) performed at Invitae indicates that this missense variant is not expected to disrupt TERT protein function. This variant has not been reported in the literature in individuals affected with TERT-related conditions. This variant is not present in population databases (gnomAD no frequency).